The following is an entry in ClinVar:

ClinVar aggregate classification (germline): Uncertain significance (1 of 4 stars; one submission).

Conditions:
Hereditary cancer-predisposing syndrome. Also called: Tumor predisposition; Hereditary neoplastic syndrome; Hereditary Cancer Syndrome; Neoplastic Syndromes, Hereditary. Identifiers: Orphanet 140162, MedGen C0027672, MeSH D009386, MONDO:0015356.

Submission:

Ambry Genetics
Classification: Uncertain significance for Hereditary cancer-predisposing syndrome. Last evaluated: 2025-05-01. Review status: criteria provided, single submitter. Criteria: Ambry Variant Classification Scheme 2023. Collection method: clinical testing. Allele origin: germline.
Comment: The p.F688S variant (also known as c.2063T>C), located in coding exon 13 of the RAD50 gene, results from a T to C substitution at nucleotide position 2063. The phenylalanine at codon 688 is replaced by serine, an amino acid with highly dissimilar properties. This amino acid position is conserved. In addition, this alteration is predicted to be deleterious by in silico analysis. Based on the available evidence, the clinical significance of this variant remains unclear.

NM_005732.4(RAD50):c.2063T>C (p.Phe688Ser)

Gene: RAD50 (RAD50 double strand break repair protein; plus strand). Cytogenetic location: 5q31.1.
Variant type: single nucleotide variant.
Coding change: c.2063T>C on transcript NM_005732.4 (MANE Select); coding-DNA position 2063, T replaced by C.
Protein change: p.Phe688Ser; replaces phenylalanine 688 with serine.
Molecular consequence: missense variant.
Genome position (GRCh38, 1-based): chr5:132,595,666, T>C. VCF-style: chr5-132595666-T-C. GRCh37 (hg19) VCF-style: chr5-131931358-T-C.
Other names: short protein forms F688S.
Identifiers: ClinVar variation 3942182 (VCV003942182.1).
Genomic context (GRCh38, chr5:132,595,666, plus strand): 5'-AGTTCATTACTCAGCTAACAGACGAAAACCAGTCATGTTGCCCCGTTTGTCAGAGAGTTT[T>C]TCAGACAGAGGCTGAGTTACAAGAAGTCATCAGTGATTTGCAGTCTAAACTGCGACTTGC-3'
Protein context (NP_005723.2, residues 678-698): QSCCPVCQRV[Phe688Ser]QTEAELQEVI